The following is an entry in ClinVar:

NM_020856.4(TSHZ3):c.196G>A (p.Glu66Lys)

Gene: TSHZ3 (teashirt zinc finger homeobox 3; minus strand). Cytogenetic location: 19q12.
Variant type: single nucleotide variant.
Coding change: c.196G>A on transcript NM_020856.4 (MANE Select); coding-DNA position 196, G replaced by A.
Protein change: p.Glu66Lys; replaces glutamic acid 66 with lysine.
Molecular consequence: missense variant.
Genome position (GRCh38, 1-based): chr19:31,279,597, C>T on the plus strand (G>A on the coding strand, the complement: TSHZ3 is on the minus strand). VCF-style: chr19-31279597-C-T. GRCh37 (hg19) VCF-style: chr19-31770503-C-T.
Other names: short protein forms E66K.
Identifiers: ClinVar variation 4977701 (VCV004977701.1).

ClinVar aggregate classification (germline): Uncertain significance (1 of 4 stars; one submission).

Conditions:
TSHZ3-related disorder. Also called: TSHZ3-related condition.

gnomAD v4.1: 10 of 1,611,860 alleles (0.00062%); highest among the groups gnomAD compares: South Asian, 0.0011%; no homozygotes.

Submission:

PreventionGenetics, part of Exact Sciences
Classification: Uncertain significance for TSHZ3-related condition. Last evaluated: 2024-11-27. Review status: criteria provided, single submitter. Criteria: ACMG Guidelines, 2015. Collection method: clinical testing. Allele origin: germline.
Comment: The TSHZ3 c.196G>A variant is predicted to result in the amino acid substitution p.Glu66Lys. To our knowledge, this variant has not been reported in the literature. This variant is reported in 0.0029% of alleles in individuals of Latino descent in gnomAD. At this time, the clinical significance of this variant is uncertain due to the absence of conclusive functional and genetic evidence.